The following is an entry in ClinVar:

ClinVar aggregate classification (germline): Uncertain significance (1 of 4 stars; one submission).

Conditions:
Autosomal recessive limb-girdle muscular dystrophy type 2J (LGMDR10). Also called: Limb-girdle muscular dystrophy, type 2J; MUSCULAR DYSTROPHY, LIMB-GIRDLE, AUTOSOMAL RECESSIVE 10. Identifiers: Orphanet 140922, MedGen C1837342, MONDO:0012127, OMIM 608807.
Dilated cardiomyopathy 1G (CMD1G). Identifiers: Orphanet 154, MedGen C1858763, MONDO:0011400, OMIM 604145.

Submission:

Labcorp Genetics (formerly Invitae), Labcorp
Classification: Uncertain significance for Dilated cardiomyopathy 1G; Autosomal recessive limb-girdle muscular dystrophy type 2J. Last evaluated: 2022-07-19. Review status: criteria provided, single submitter. Criteria: Invitae Variant Classification Sherloc (09022015). Collection method: clinical testing. Allele origin: germline.
Comment: This variant is not present in population databases (gnomAD no frequency). This sequence change replaces cysteine, which is neutral and slightly polar, with glycine, which is neutral and non-polar, at codon 34157 of the TTN protein (p.Cys34157Gly). This variant has not been reported in the literature in individuals affected with TTN-related conditions. In summary, the available evidence is currently insufficient to determine the role of this variant in disease. Therefore, it has been classified as a Variant of Uncertain Significance. This variant is located in the M band of TTN (PMID: 25589632). Variants in this region may be relevant for neuromuscular disorders, but have not been definitively shown to cause cardiomyopathy (PMID: 23975875). Algorithms developed to predict the effect of sequence changes on RNA splicing suggest that this variant may create or strengthen a splice site. Experimental studies and prediction algorithms are not available or were not evaluated, and the functional significance of this variant is currently unknown.

Literature cited by the submitters: PubMed 25589632; PubMed 23975875.

NM_001267550.2(TTN):c.102469T>G (p.Cys34157Gly)

Genes: TTN-AS1 (TTN antisense RNA 1; plus strand), TTN (titin; minus strand). Cytogenetic location: 2q31.2.
Variant type: single nucleotide variant.
Coding change: c.102469T>G on transcript NM_001267550.2 (MANE Select); coding-DNA position 102469, T replaced by G.
Protein change: p.Cys34157Gly; replaces cysteine 34157 with glycine.
Molecular consequence: missense variant.
Genome position (GRCh38, 1-based): chr2:178,534,146, A>C on the plus strand (T>G on the coding strand, the complement: TTN is on the minus strand). VCF-style: chr2-178534146-A-C. GRCh37 (hg19) VCF-style: chr2-179398873-A-C.
Other names: c.97546T>G, p.Cys32516Gly (NM_001256850.1); c.75274T>G, p.Cys25092Gly (NM_003319.4); c.94765T>G, p.Cys31589Gly (NM_133378.4); c.75649T>G, p.Cys25217Gly (NM_133432.3); c.75850T>G, p.Cys25284Gly (NM_133437.4); short protein forms C32516G, C25217G, C25284G, C34157G, C25092G, C31589G.
Identifiers: ClinVar variation 2053611 (VCV002053611.4), dbSNP rs1690398019, ClinGen allele CA349417471.
Genomic context (GRCh38, chr2:178,534,146, plus strand): 5'-GCTGTCGGACGCCAAAGTACCAAGTCACTTGGGTAGACTGATCATAATTTTCAATTTTGC[A>C]TACATATTTGACATGTCCTCCTTCTTCACCAACTGCATGCATTATCTGCCCAGAAACTGG-3'
Protein context (NP_001254479.2, residues 34147-34167): GEEGGHVKYV[Cys34157Gly]KIENYDQSTQ